The following is an entry in ClinVar:

NM_006642.5(SDCCAG8):c.1725G>A (p.Glu575=)

Gene: SDCCAG8 (SHH signaling and ciliogenesis regulator SDCCAG8; plus strand). Cytogenetic location: 1q43.
Variant type: single nucleotide variant.
Coding change: c.1725G>A on transcript NM_006642.5 (MANE Select); coding-DNA position 1725, G replaced by A.
Protein change: p.Glu575=; no amino-acid change (glutamic acid 575 retained).
Molecular consequence: synonymous variant.
Genome position (GRCh38, 1-based): chr1:243,415,810, G>A. VCF-style: chr1-243415810-G-A. GRCh37 (hg19) VCF-style: chr1-243579112-G-A.
Other names: p.Glu575=; c.822G>A, p.Glu274= (NM_001350246.2, NM_001350247.2, NM_001350251.2); c.1821G>A, p.Glu607= (NM_001350248.2); c.1431G>A, p.Glu477= (NM_001350249.2).
Identifiers: ClinVar variation 260009 (VCV000260009.23), dbSNP rs10927011, ClinGen allele CA1483713.

ClinVar aggregate classification (germline): Benign. Review status: criteria provided, multiple submitters, no conflicts (2 of 4 stars). 12 submissions from 10 submitters: Benign (10). 2 of the submissions do not count toward it. Last evaluated 2026-02-04.

Conditions:
Senior-Loken syndrome 7 (SLSN7). Identifiers: Orphanet 3156, MedGen C3150877, MONDO:0013326, OMIM 613615.
Bardet-Biedl syndrome 16 (BBS16). Identifiers: Orphanet 110, MedGen C3889474, MONDO:0014444, OMIM 615993.

Allele frequency attached by ClinVar (database versions not stated): ESP Exome Variant Server 0.39220; TOPMed 0.41063; gnomAD 0.41204 and 0.42015; 1000 Genomes Project 30x 0.43036; 1000 Genomes Project 0.43950; ExAC 0.48892; gnomAD exomes 0.49956 and 0.50278.
gnomAD v4.1: 798,617 of 1,612,870 alleles (50%); highest among the groups gnomAD compares: East Asian, 77%; 205,353 homozygotes.

Submissions (12):

Labcorp Genetics (formerly Invitae), Labcorp
Classification: Benign for Bardet-Biedl syndrome 16; Senior-Loken syndrome 7. Last evaluated: 2026-02-04. Review status: criteria provided, single submitter. Criteria: Invitae Variant Classification Sherloc (09022015). Collection method: clinical testing. Allele origin: germline.

Blueprint Genetics
Classification: Benign. Last evaluated: 2024-11-26. Review status: criteria provided, single submitter. Criteria: ACMG Guidelines, 2015. Collection method: clinical testing. Allele origin: germline.

Mayo Clinic Laboratories, Mayo Clinic
Classification: Benign. Last evaluated: 2022-03-09. Review status: criteria provided, single submitter. Criteria: ACMG Guidelines, 2015. Collection method: clinical testing. Allele origin: germline. Observed: 126 variant alleles.

Genome-Nilou Lab
Classification: Benign for Bardet-Biedl syndrome 16. Last evaluated: 2021-07-15. Review status: criteria provided, single submitter. Criteria: ACMG Guidelines, 2015. Collection method: clinical testing. Allele origin: germline. Affected: no.

Genome-Nilou Lab
Classification: Benign for Senior-Loken syndrome 7. Last evaluated: 2021-07-15. Review status: criteria provided, single submitter. Criteria: ACMG Guidelines, 2015. Collection method: clinical testing. Allele origin: germline. Affected: no.

GeneDx
Classification: Benign. Last evaluated: 2021-05-04. Review status: criteria provided, single submitter. Criteria: GeneDx Variant Classification Process June 2021. Collection method: clinical testing. Allele origin: germline. Affected: yes.

Illumina Laboratory Services, Illumina
Classification: Benign for Bardet-Biedl syndrome 16. Last evaluated: 2018-01-12. Review status: criteria provided, single submitter. Criteria: ICSL Variant Classification Criteria 13 December 2019. Collection method: clinical testing. Allele origin: germline.
Comment: This variant was observed in the ICSL laboratory as part of a predisposition screen in an ostensibly healthy population. It had not been previously curated by ICSL or reported in the Human Gene Mutation Database (HGMD: prior to June 1st, 2018), and was therefore a candidate for classification through an automated scoring system. Utilizing variant allele frequency, disease prevalence and penetrance estimates, and inheritance mode, an automated score was calculated to assess if this variant is too frequent to cause the disease. Based on the score and internal cut-off values, a variant classified as benign is not then subjected to further curation. The score for this variant resulted in a classification of benign for this disease.

Illumina Laboratory Services, Illumina
Classification: Benign for Senior-Loken syndrome 7. Last evaluated: 2018-01-12. Review status: criteria provided, single submitter. Criteria: ICSL Variant Classification Criteria 13 December 2019. Collection method: clinical testing. Allele origin: germline.
Comment: the same text as in the submission from Illumina Laboratory Services, Illumina above.

Breakthrough Genomics
Classification: Benign. Review status: criteria provided, single submitter. Criteria: ACMG Guidelines, 2015. Collection method: not provided. Allele origin: germline. Inheritance: Autosomal recessive inheritance. Affected: yes.

PreventionGenetics, part of Exact Sciences
Classification: Benign. Review status: criteria provided, single submitter. Criteria: ACMG Guidelines, 2015. Collection method: clinical testing. Allele origin: germline.

Clinical Genetics DNA and cytogenetics Diagnostics Lab, Erasmus MC, Erasmus Medical Center
Classification: Benign. Review status: no assertion criteria provided. Collection method: clinical testing. Allele origin: germline. Affected: yes. Study: VKGL Data-share Consensus. Not counted in ClinVar's aggregate classification.

Diagnostic Laboratory, Department of Genetics, University Medical Center Groningen
Classification: Benign for Senior-Loken syndrome 7. Review status: no assertion criteria provided. Collection method: clinical testing. Allele origin: germline. Affected: yes. Study: VKGL Data-share Consensus. Not counted in ClinVar's aggregate classification.